The following is an entry in ClinVar:

ClinVar aggregate classification (germline): Uncertain significance (1 of 4 stars; one submission).

Submission:

Labcorp Genetics (formerly Invitae), Labcorp
Classification: Uncertain significance. Last evaluated: 2023-07-30. Review status: criteria provided, single submitter. Criteria: Invitae Variant Classification Sherloc (09022015). Collection method: clinical testing. Allele origin: germline.
Comment: In summary, the available evidence is currently insufficient to determine the role of this variant in disease. Therefore, it has been classified as a Variant of Uncertain Significance. Algorithms developed to predict the effect of sequence changes on RNA splicing suggest that this variant may disrupt the consensus splice site. This variant has not been reported in the literature in individuals affected with GABRB1-related conditions. This variant is not present in population databases (gnomAD no frequency). This sequence change affects a donor splice site in intron 7 of the GABRB1 gene. It is expected to disrupt RNA splicing. Variants that disrupt the donor or acceptor splice site typically lead to a loss of protein function (PMID: 16199547), however the current clinical and genetic evidence is not sufficient to establish whether loss-of-function variants in GABRB1 cause disease.

Literature cited by the submitters: PubMed 16199547.

NM_000812.4(GABRB1):c.835+1G>T

Gene: GABRB1 (gamma-aminobutyric acid type A receptor subunit beta1; plus strand). Cytogenetic location: 4p12.
Variant type: single nucleotide variant.
Coding change: c.835+1G>T on transcript NM_000812.4 (MANE Select); the canonical splice donor site of the intron after coding-DNA position 835, G replaced by T.
Molecular consequence: splice donor variant.
Genome position (GRCh38, 1-based): chr4:47,403,712, G>T. VCF-style: chr4-47403712-G-T. GRCh37 (hg19) VCF-style: chr4-47405729-G-T.
Identifiers: ClinVar variation 2748414 (VCV002748414.3), dbSNP rs2475460891, ClinGen allele CA356811017.